The following is an entry in ClinVar:

NM_004273.5(CHST3):c.196G>A (p.Asp66Asn)

Gene: CHST3 (carbohydrate sulfotransferase 3; plus strand). Cytogenetic location: 10q22.1.
Variant type: single nucleotide variant.
Coding change: c.196G>A on transcript NM_004273.5 (MANE Select); coding-DNA position 196, G replaced by A.
Protein change: p.Asp66Asn; replaces aspartic acid 66 with asparagine.
Molecular consequence: missense variant.
Genome position (GRCh38, 1-based): chr10:72,007,227, G>A. VCF-style: chr10-72007227-G-A. GRCh37 (hg19) VCF-style: chr10-73766985-G-A.
Other names: short protein forms D66N.
Identifiers: ClinVar variation 1358925 (VCV001358925.7), dbSNP rs964738146, ClinGen allele CA209478978.

ClinVar aggregate classification (germline): Uncertain significance (1 of 4 stars; one submission).

Conditions:
Spondyloepiphyseal dysplasia with congenital joint dislocations (SEDCJD). Also called: Chondrodysplasia with Congenital Joint Dislocations, CHST3-Related. Identifiers: Orphanet 263463, MedGen C1837657, MONDO:0007738, OMIM 143095.

Allele frequency attached by ClinVar (database versions not stated): gnomAD exomes below 0.00001; TOPMed below 0.00001.
gnomAD v4.1: 8 of 1,614,162 alleles (0.0005%); highest among the groups gnomAD compares: Non-Finnish European, 0.00059%; no homozygotes.

Submission:

Labcorp Genetics (formerly Invitae), Labcorp
Classification: Uncertain significance for Spondyloepiphyseal dysplasia with congenital joint dislocations. Last evaluated: 2025-04-08. Review status: criteria provided, single submitter. Criteria: Invitae Variant Classification Sherloc (09022015). Collection method: clinical testing. Allele origin: germline.
Comment: This sequence change replaces aspartic acid, which is acidic and polar, with asparagine, which is neutral and polar, at codon 66 of the CHST3 protein (p.Asp66Asn). This variant is present in population databases (no rsID available, gnomAD 0.0009%). This variant has not been reported in the literature in individuals affected with CHST3-related conditions. ClinVar contains an entry for this variant (Variation ID: 1358925). Invitae Evidence Modeling of protein sequence and biophysical properties (such as structural, functional, and spatial information, amino acid conservation, physicochemical variation, residue mobility, and thermodynamic stability) indicates that this missense variant is not expected to disrupt CHST3 protein function with a negative predictive value of 95%. In summary, the available evidence is currently insufficient to determine the role of this variant in disease. Therefore, it has been classified as a Variant of Uncertain Significance.